The following is an entry in ClinVar:

NM_004484.4(GPC3):c.1669A>T (p.Asn557Tyr)

Gene: GPC3 (glypican 3; minus strand). Cytogenetic location: Xq26.2.
Variant type: single nucleotide variant.
Coding change: c.1669A>T on transcript NM_004484.4 (MANE Select); coding-DNA position 1669, A replaced by T.
Protein change: p.Asn557Tyr; replaces asparagine 557 with tyrosine.
Molecular consequence: missense variant.
Genome position (GRCh38, 1-based): chrX:133,536,198, T>A on the plus strand (A>T on the coding strand, the complement: GPC3 is on the minus strand). VCF-style: chrX-133536198-T-A. GRCh37 (hg19) VCF-style: chrX-132670226-T-A.
Other names: c.1738A>T, p.Asn580Tyr (NM_001164617.2); c.1621A>T, p.Asn541Tyr (NM_001164618.2); c.1507A>T, p.Asn503Tyr (NM_001164619.2); short protein forms N503Y, N541Y, N557Y, N580Y.
Identifiers: ClinVar variation 1022572 (VCV001022572.9), dbSNP rs2069288554, ClinGen allele CA414702614.

ClinVar aggregate classification (germline): Uncertain significance (1 of 4 stars; one submission).

Conditions:
Wilms tumor 1 (WT1). Also called: Wilms tumor, somatic. Identifiers: Orphanet 654, MedGen CN033288, MONDO:0008679, OMIM 194070.

Submission:

Labcorp Genetics (formerly Invitae), Labcorp
Classification: Uncertain significance for Wilms tumor 1. Last evaluated: 2020-03-16. Review status: criteria provided, single submitter. Criteria: Invitae Variant Classification Sherloc (09022015). Collection method: clinical testing. Allele origin: germline.
Comment: In summary, the available evidence is currently insufficient to determine the role of this variant in disease. Therefore, it has been classified as a Variant of Uncertain Significance. Algorithms developed to predict the effect of sequence changes on RNA splicing suggest that this variant may create or strengthen a splice site, but this prediction has not been confirmed by published transcriptional studies. Algorithms developed to predict the effect of missense changes on protein structure and function (SIFT, PolyPhen-2, Align-GVGD) all suggest that this variant is likely to be tolerated, but these predictions have not been confirmed by published functional studies and their clinical significance is uncertain. This variant has not been reported in the literature in individuals with GPC3-related conditions. This variant is not present in population databases (ExAC no frequency). This sequence change replaces asparagine with tyrosine at codon 557 of the GPC3 protein (p.Asn557Tyr). The asparagine residue is weakly conserved and there is a large physicochemical difference between asparagine and tyrosine.